The following is an entry in ClinVar:

NM_001211.6(BUB1B):c.1361A>G (p.Lys454Arg)

Gene: BUB1B (BUB1 mitotic checkpoint serine/threonine kinase B; plus strand). Cytogenetic location: 15q15.1.
Variant type: single nucleotide variant.
Coding change: c.1361A>G on transcript NM_001211.6 (MANE Select); coding-DNA position 1361, A replaced by G.
Protein change: p.Lys454Arg; replaces lysine 454 with arginine.
Molecular consequence: missense variant.
Genome position (GRCh38, 1-based): chr15:40,199,687, A>G. VCF-style: chr15-40199687-A-G. GRCh37 (hg19) VCF-style: chr15-40491888-A-G.
Other names: short protein forms K454R.
Identifiers: ClinVar variation 533909 (VCV000533909.14), dbSNP rs373256667, ClinGen allele CA7475711.

ClinVar aggregate classification (germline): Uncertain significance. Review status: criteria provided, multiple submitters, no conflicts (2 of 4 stars). 4 submissions from 3 submitters: Uncertain significance (4). Last evaluated 2025-08-20.

Conditions:
Mosaic variegated aneuploidy syndrome 1 (MVA1). Also called: Warburton-Anyane-Yeboa syndrome. Identifiers: Orphanet 1052, MedGen C1850343, MONDO:0009759, OMIM 257300.
Colorectal cancer. Also called: Colorectal cancer, somatic; Malignant Colorectal Neoplasm. Identifiers: MedGen C0346629, MONDO:0005575, OMIM 114500.
Premature chromatid separation trait (PCS). Also called: TOTAL PREMATURE CHROMATID SEPARATION TRAIT. Identifiers: MedGen C1864389, MONDO:0008304, OMIM 176430.
Carcinoma of colon (CRC). Also called: Colon carcinoma; Colonic carcinoma. Identifiers: MedGen C0699790, MONDO:0002032.
Inborn genetic diseases. Identifiers: MedGen C0950123, MeSH D030342.

Allele frequency attached by ClinVar (database versions not stated): gnomAD exomes 0.00002 and 0.00003; gnomAD 0.00003 and 0.00004; ExAC 0.00006; TOPMed 0.00006; ESP Exome Variant Server 0.00015.
gnomAD v4.1: 45 of 1,613,882 alleles (0.0028%); highest among the groups gnomAD compares: Middle Eastern, 0.016%; no homozygotes.

Submissions (4):

Labcorp Genetics (formerly Invitae), Labcorp
Classification: Uncertain significance for Mosaic variegated aneuploidy syndrome 1. Last evaluated: 2025-08-20. Review status: criteria provided, single submitter. Criteria: Invitae Variant Classification Sherloc (09022015). Collection method: clinical testing. Allele origin: germline.
Comment: This sequence change replaces lysine, which is basic and polar, with arginine, which is basic and polar, at codon 454 of the BUB1B protein (p.Lys454Arg). This variant is present in population databases (rs373256667, gnomAD 0.009%). This variant has not been reported in the literature in individuals affected with BUB1B-related conditions. ClinVar contains an entry for this variant (Variation ID: 533909). An algorithm developed to predict the effect of missense changes on protein structure and function (PolyPhen-2) suggests that this variant is likely to be tolerated. In summary, the available evidence is currently insufficient to determine the role of this variant in disease. Therefore, it has been classified as a Variant of Uncertain Significance.

Fulgent Genetics
Classification: Uncertain significance for Colorectal cancer; Premature chromatid separation trait; Mosaic variegated aneuploidy syndrome 1. Last evaluated: 2024-05-05. Review status: criteria provided, single submitter. Criteria: ACMG Guidelines, 2015. Collection method: clinical testing. Allele origin: germline.

Ambry Genetics
Classification: Uncertain significance for Inborn genetic diseases. Last evaluated: 2022-12-11. Review status: criteria provided, single submitter. Criteria: Ambry Variant Classification Scheme 2023. Collection method: clinical testing. Allele origin: germline.
Comment: The p.K454R variant (also known as c.1361A>G), located in coding exon 10 of the BUB1B gene, results from an A to G substitution at nucleotide position 1361. The lysine at codon 454 is replaced by arginine, an amino acid with highly similar properties. This amino acid position is conserved. In addition, this alteration is predicted to be tolerated by in silico analysis. Since supporting evidence is limited at this time, the clinical significance of this alteration remains unclear.

Fulgent Genetics
Classification: Uncertain significance for Colorectal cancer; Premature chromatid separation trait; Mosaic variegated aneuploidy syndrome 1. Last evaluated: 2018-10-31. Review status: criteria provided, single submitter. Criteria: ACMG Guidelines, 2015. Collection method: clinical testing. Allele origin: unknown.